The following is an entry in ClinVar:

NM_003995.4(NPR2):c.753CTT[1] (p.Phe253del)

Gene: NPR2 (natriuretic peptide receptor 2; plus strand). Cytogenetic location: 9p13.3.
Variant type: Microsatellite.
Coding change: c.753CTT[1] on transcript NM_003995.4 (MANE Select); one copy of the 3-base unit CTT starting at c.753; the reference has two copies in a row; one copy, 3 bases deleted.
Protein change: p.Phe253del; deletes phenylalanine 253.
Molecular consequence: inframe deletion.
Genome position (GRCh38, 1-based): chr9:35,793,986-35,793,988, CTT deleted; deleting any 3 consecutive bases within chr9:35,793,982-35,793,988 gives the same sequence; the position shown is the placement nearest the transcript's 3' end. VCF-style (leftmost placement, unchanged base first): chr9-35793981-GTCT-G. GRCh37 (hg19) VCF-style: chr9-35793978-GTCT-G.
Other names: c.753CTT[1], p.Phe253del (NM_001378923.1); short protein forms F253del.
Identifiers: ClinVar variation 1348509 (VCV001348509.6), dbSNP rs767114653, ClinGen allele CA5051508.

ClinVar aggregate classification (germline): Uncertain significance (1 of 4 stars; one submission).

Conditions:
Acromesomelic dysplasia 1, Maroteaux type (AMD1). Also called: ST. HELENA DYSPLASIA; ACROMESOMELIC DYSPLASIA 1. Identifiers: Orphanet 40, MedGen C1864356, MONDO:0011275, OMIM 602875.
Tall stature-scoliosis-macrodactyly of the great toes syndrome. Also called: Epiphyseal chondrodysplasia, miura type. Identifiers: Orphanet 329191, MedGen C4014690, MONDO:0014401, OMIM 615923.

Submission:

Labcorp Genetics (formerly Invitae), Labcorp
Classification: Uncertain significance for Tall stature-scoliosis-macrodactyly of the great toes syndrome; Acromesomelic dysplasia 1, Maroteaux type. Last evaluated: 2025-06-02. Review status: criteria provided, single submitter. Criteria: Invitae Variant Classification Sherloc (09022015). Collection method: clinical testing. Allele origin: germline.
Comment: This variant, c.756_758del, results in the deletion of 1 amino acid(s) of the NPR2 protein (p.Phe253del), but otherwise preserves the integrity of the reading frame. This variant is present in population databases (rs767114653, gnomAD 0.01%). This variant has not been reported in the literature in individuals affected with NPR2-related conditions. Experimental studies and prediction algorithms are not available or were not evaluated, and the functional significance of this variant is currently unknown. In summary, the available evidence is currently insufficient to determine the role of this variant in disease. Therefore, it has been classified as a Variant of Uncertain Significance.